The following is an entry in ClinVar:

NM_013266.4(CTNNA3):c.1064G>A (p.Arg355Lys)

Gene: CTNNA3 (catenin alpha 3; minus strand). Cytogenetic location: 10q21.3.
Variant type: single nucleotide variant.
Coding change: c.1064G>A on transcript NM_013266.4 (MANE Select); coding-DNA position 1064, G replaced by A.
Protein change: p.Arg355Lys; replaces arginine 355 with lysine.
Molecular consequence: missense variant.
Genome position (GRCh38, 1-based): chr10:66,775,508, C>T on the plus strand (G>A on the coding strand, the complement: CTNNA3 is on the minus strand). VCF-style: chr10-66775508-C-T. GRCh37 (hg19) VCF-style: chr10-68535266-C-T.
Other names: c.1064G>A, p.Arg355Lys (NM_001127384.3); short protein forms R355K.
Identifiers: ClinVar variation 474812 (VCV000474812.8), dbSNP rs375610128, ClinGen allele CA5520076.

ClinVar aggregate classification (germline): Uncertain significance (1 of 4 stars; one submission).

Conditions:
Arrhythmogenic right ventricular dysplasia 13. Also called: Arrhythmogenic right ventricular dysplasia, familial, 13; ARRHYTHMOGENIC RIGHT VENTRICULAR CARDIOMYOPATHY 13. Identifiers: MedGen C3810138, MONDO:0000908, OMIM 615616.

Allele frequency attached by ClinVar (database versions not stated): gnomAD exomes 0.00002 and 0.00004; TOPMed 0.00002; gnomAD 0.00003; ExAC 0.00005; ESP Exome Variant Server 0.00008.
gnomAD v4.1: 39 of 1,608,238 alleles (0.0024%); highest among the groups gnomAD compares: Middle Eastern, 0.083%; no homozygotes.

Submission:

Labcorp Genetics (formerly Invitae), Labcorp
Classification: Uncertain significance for Arrhythmogenic right ventricular dysplasia 13. Last evaluated: 2025-11-22. Review status: criteria provided, single submitter. Criteria: Invitae Variant Classification Sherloc (09022015). Collection method: clinical testing. Allele origin: germline.
Comment: This sequence change replaces arginine, which is basic and polar, with lysine, which is basic and polar, at codon 355 of the CTNNA3 protein (p.Arg355Lys). This variant is present in population databases (rs375610128, gnomAD 0.01%). This variant has not been reported in the literature in individuals affected with CTNNA3-related conditions. ClinVar contains an entry for this variant (Variation ID: 474812). Invitae Evidence Modeling of protein sequence and biophysical properties (such as structural, functional, and spatial information, amino acid conservation, physicochemical variation, residue mobility, and thermodynamic stability) indicates that this missense variant is not expected to disrupt CTNNA3 protein function with a negative predictive value of 80%. In summary, the available evidence is currently insufficient to determine the role of this variant in disease. Therefore, it has been classified as a Variant of Uncertain Significance.